The following is an entry in ClinVar:

NM_018089.3(ANKZF1):c.1049-3C>A

Gene: ANKZF1 (ankyrin repeat and zinc finger peptidyl tRNA hydrolase 1; plus strand). Cytogenetic location: 2q35.
Variant type: single nucleotide variant.
Coding change: c.1049-3C>A on transcript NM_018089.3 (MANE Select); 3 bases into the intron before coding-DNA position 1049, C replaced by A.
Molecular consequence: intron variant.
Genome position (GRCh38, 1-based): chr2:219,234,130, C>A. VCF-style: chr2-219234130-C-A. GRCh37 (hg19) VCF-style: chr2-220098852-C-A.
Other names: c.1049-3C>A (NM_001042410.2); c.419-3C>A (NM_001282792.2).
Identifiers: ClinVar variation 2819680 (VCV002819680.3), dbSNP rs1574850614, ClinGen allele CA2663218048.

ClinVar aggregate classification (germline): Uncertain significance (1 of 4 stars; one submission).

Submission:

Labcorp Genetics (formerly Invitae), Labcorp
Classification: Uncertain significance. Last evaluated: 2022-12-09. Review status: criteria provided, single submitter. Criteria: Invitae Variant Classification Sherloc (09022015). Collection method: clinical testing. Allele origin: germline.
Comment: Variants that disrupt the consensus splice site are a relatively common cause of aberrant splicing (PMID: 17576681, 9536098). Algorithms developed to predict the effect of sequence changes on RNA splicing suggest that this variant may disrupt the consensus splice site. In summary, the available evidence is currently insufficient to determine the role of this variant in disease. Therefore, it has been classified as a Variant of Uncertain Significance. This variant has not been reported in the literature in individuals affected with ANKZF1-related conditions. This variant is not present in population databases (gnomAD no frequency). This sequence change falls in intron 8 of the ANKZF1 gene. It does not directly change the encoded amino acid sequence of the ANKZF1 protein. It affects a nucleotide within the consensus splice site.

Literature cited by the submitters: PubMed 17576681; PubMed 9536098.